The following is an entry in ClinVar:

NM_014208.3(DSPP):c.1014C>A (p.Ser338Arg)

Genes: DMP1-AS1 (DMP1 and DSPP antisense RNA 1; minus strand), DSPP (dentin sialophosphoprotein; plus strand). Cytogenetic location: 4q22.1.
Variant type: single nucleotide variant.
Coding change: c.1014C>A on transcript NM_014208.3 (MANE Select); coding-DNA position 1014, C replaced by A.
Protein change: p.Ser338Arg; replaces serine 338 with arginine.
Molecular consequence: missense variant.
Genome position (GRCh38, 1-based): chr4:87,613,200, C>A. VCF-style: chr4-87613200-C-A. GRCh37 (hg19) VCF-style: chr4-88534352-C-A.
Other names: short protein forms S338R.
Identifiers: ClinVar variation 1210961 (VCV001210961.12), dbSNP rs370261412, ClinGen allele CA3000997.

ClinVar aggregate classification (germline): Conflicting classifications of pathogenicity. Review status: criteria provided, conflicting classifications (1 of 4 stars). 6 submissions from 6 submitters: Uncertain significance (4); Likely benign (2). Last evaluated 2025-11-05.

Conditions:
DSPP-related disorder. Also called: DSPP-related condition.
Inborn genetic diseases. Identifiers: MedGen C0950123, MeSH D030342.

Allele frequency attached by ClinVar (database versions not stated): gnomAD exomes 0.00001 and 0.00005; ExAC 0.00004; gnomAD 0.00004 and 0.00005; TOPMed 0.00006.

Submissions (6):

Women's Health and Genetics/Laboratory Corporation of America, LabCorp
Classification: Uncertain significance. Last evaluated: 2025-11-05. Review status: criteria provided, single submitter. Criteria: LabCorp Variant Classification Summary - May 2015. Collection method: clinical testing. Allele origin: germline.
Comment: Variant summary: DSPP c.1014C>A (p.Ser338Arg) results in a non-conservative amino acid change in the encoded protein sequence. Algorithms developed to predict the effect of missense changes on protein structure and function are either unavailable or do not agree on the potential impact of this missense change. The variant allele was found at a frequency of 5.2e-05 in 248362 control chromosomes. This frequency is not significantly higher than estimated for disease-causing variants in DSPP, allowing no conclusion about variant significance. To our knowledge, no occurrence of c.1014C>A in individuals affected with DSPP-related conditions and no experimental evidence demonstrating its impact on protein function have been reported. ClinVar contains an entry for this variant (Variation ID: 1210961). Based on the evidence outlined above, the variant was classified as uncertain significance.

PreventionGenetics, part of Exact Sciences
Classification: Uncertain significance for DSPP-related condition. Last evaluated: 2025-09-04. Review status: criteria provided, single submitter. Criteria: ACMG Guidelines, 2015. Collection method: clinical testing. Allele origin: germline.
Comment: The DSPP c.1014C>A variant is predicted to result in the amino acid substitution p.Ser338Arg. To our knowledge, this variant has not been reported in the literature. This variant is reported in 0.028% of alleles in individuals of East Asian descent in gnomAD. Although we suspect that this variant may be benign, at this time, the clinical significance of this variant is uncertain due to the absence of conclusive functional and genetic evidence.

Ambry Genetics
Classification: Uncertain significance for Inborn genetic diseases. Last evaluated: 2025-03-27. Review status: criteria provided, single submitter. Criteria: Ambry Variant Classification Scheme 2023. Collection method: clinical testing. Allele origin: germline.

Labcorp Genetics (formerly Invitae), Labcorp
Classification: Uncertain significance. Last evaluated: 2024-11-11. Review status: criteria provided, single submitter. Criteria: Invitae Variant Classification Sherloc (09022015). Collection method: clinical testing. Allele origin: germline.
Comment: This sequence change replaces serine, which is neutral and polar, with arginine, which is basic and polar, at codon 338 of the DSPP protein (p.Ser338Arg). This variant is present in population databases (rs370261412, gnomAD 0.03%). This variant has not been reported in the literature in individuals affected with DSPP-related conditions. ClinVar contains an entry for this variant (Variation ID: 1210961). An algorithm developed to predict the effect of missense changes on protein structure and function (PolyPhen-2) suggests that this variant is likely to be disruptive. In summary, the available evidence is currently insufficient to determine the role of this variant in disease. Therefore, it has been classified as a Variant of Uncertain Significance.

Blueprint Genetics
Classification: Likely benign. Last evaluated: 2024-10-14. Review status: criteria provided, single submitter. Criteria: ACMG Guidelines, 2015. Collection method: clinical testing. Allele origin: germline.

GeneDx
Classification: Likely benign. Last evaluated: 2020-03-27. Review status: criteria provided, single submitter. Criteria: GeneDx Variant Classification Process June 2021. Collection method: clinical testing. Allele origin: germline. Affected: yes.
Comment: In silico analysis supports that this missense variant does not alter protein structure/function; Has not been previously published as pathogenic or benign to our knowledge